The following is an entry in ClinVar:

ClinVar aggregate classification (germline): Uncertain significance. Review status: criteria provided, multiple submitters, no conflicts (2 of 4 stars). 2 submissions from 2 submitters: Uncertain significance (2). Last evaluated 2026-01-14.

Conditions:
Charcot-Marie-Tooth disease, axonal, autosomal recessive, type 2a2b;. Also called: Charcot-Marie-Tooth disease, axonal, type 2A2B; Charcot-Marie-Tooth disease, axonal, autosomal recessive, type 2A2B. Identifiers: MedGen C4310725, MONDO:0014906, OMIM 617087.
Charcot-Marie-Tooth disease type 2. Also called: Charcot-Marie-Tooth type 2. Identifiers: Orphanet 64746, MedGen C0270914, MONDO:0018993.

Allele frequency attached by ClinVar (database versions not stated): ExAC 0.00002; gnomAD exomes 0.00002 and below 0.00001; TOPMed 0.00002.
gnomAD v4.1: 5 of 1,614,112 alleles (0.00031%); highest among the groups gnomAD compares: Admixed American, 0.0067%; no homozygotes.

Submissions (2):

Labcorp Genetics (formerly Invitae), Labcorp
Classification: Uncertain significance for Charcot-Marie-Tooth disease type 2. Last evaluated: 2026-01-14. Review status: criteria provided, single submitter. Criteria: Invitae Variant Classification Sherloc (09022015). Collection method: clinical testing. Allele origin: germline.
Comment: This sequence change replaces aspartic acid, which is acidic and polar, with asparagine, which is neutral and polar, at codon 204 of the MFN2 protein (p.Asp204Asn). This variant is present in population databases (rs781651055, gnomAD 0.01%). This variant has not been reported in the literature in individuals affected with MFN2-related conditions. ClinVar contains an entry for this variant (Variation ID: 836663). Invitae Evidence Modeling of protein sequence and biophysical properties (such as structural, functional, and spatial information, amino acid conservation, physicochemical variation, residue mobility, and thermodynamic stability) has been performed for this missense variant. However, the output from this modeling did not meet the statistical confidence thresholds required to predict the impact of this variant on MFN2 protein function. Algorithms developed to predict the effect of sequence changes on RNA splicing suggest that this variant may disrupt the consensus splice site. In summary, the available evidence is currently insufficient to determine the role of this variant in disease. Therefore, it has been classified as a Variant of Uncertain Significance.

3billion
Classification: Uncertain significance for Charcot-Marie-Tooth disease, axonal, autosomal recessive, type 2a2b;. Last evaluated: 2025-12-16. Review status: criteria provided, single submitter. Criteria: ACMG Guidelines, 2015. Collection method: clinical testing. Allele origin: germline. Affected: yes.
Comment: The variant is observed at an extremely low frequency in the gnomAD v4.1.0 dataset (total allele frequency: <0.001%). Predicted Consequence/Location: Missense variant In silico tool predictions suggest damaging effect of the variant on gene or gene product [REVEL: 0.68 (>=0.6, sensitivity 0.68 and specificity 0.92); 3Cnet: 1.00 (> 0.75, sensitivity 0.96 and precision 0.92)]. The variant has been reported as of uncertain significance (ClinVar ID: VCV000836663). Different missense changes at the same codon have been reported as of uncertain significance (ClinVar ID: VCV000637739). Therefore, this variant is classified as VUS according to the recommendation of ACMG/AMP guideline.

NM_014874.4(MFN2):c.610G>A (p.Asp204Asn)

Gene: MFN2 (mitofusin 2; plus strand). Cytogenetic location: 1p36.22.
Variant type: single nucleotide variant.
Coding change: c.610G>A on transcript NM_014874.4 (MANE Select); coding-DNA position 610, G replaced by A.
Protein change: p.Asp204Asn; replaces aspartic acid 204 with asparagine.
Molecular consequence: missense variant.
Genome position (GRCh38, 1-based): chr1:11,998,780, G>A. VCF-style: chr1-11998780-G-A. GRCh37 (hg19) VCF-style: chr1-12058837-G-A.
Other names: c.610G>A, p.Asp204Asn (NM_001127660.2); short protein forms D204N.
Identifiers: ClinVar variation 836663 (VCV000836663.10), dbSNP rs781651055, ClinGen allele CA598880.